The following is an entry in ClinVar:

NM_000143.4(FH):c.1081A>G (p.Asn361Asp)

Gene: FH (fumarate hydratase; minus strand). Cytogenetic location: 1q43.
Variant type: single nucleotide variant.
Coding change: c.1081A>G on transcript NM_000143.4 (MANE Select); coding-DNA position 1081, A replaced by G.
Protein change: p.Asn361Asp; replaces asparagine 361 with aspartic acid.
Molecular consequence: missense variant.
Genome position (GRCh38, 1-based): chr1:241,504,069, T>C on the plus strand (A>G on the coding strand, the complement: FH is on the minus strand). VCF-style: chr1-241504069-T-C. GRCh37 (hg19) VCF-style: chr1-241667369-T-C.
Other names: short protein forms N361D.
Identifiers: ClinVar variation 4024845 (VCV004024845.2).

ClinVar aggregate classification (germline): Uncertain significance (1 of 4 stars; one submission).

Conditions:
Hereditary cancer-predisposing syndrome. Also called: Neoplastic Syndromes, Hereditary; Tumor predisposition; Hereditary neoplastic syndrome; Hereditary Cancer Syndrome. Identifiers: Orphanet 140162, MedGen C0027672, MeSH D009386, MONDO:0015356.

Submission:

Ambry Genetics
Classification: Uncertain significance for Hereditary cancer-predisposing syndrome. Last evaluated: 2025-12-28. Review status: criteria provided, single submitter. Criteria: Ambry Variant Classification Scheme 2023. Collection method: clinical testing. Allele origin: germline.
Comment: The p.N361D variant (also known as c.1081A>G), located in coding exon 7 of the FH gene, results from an A to G substitution at nucleotide position 1081. The asparagine at codon 361 is replaced by aspartic acid, an amino acid with highly similar properties. This amino acid position is conserved. In addition, this alteration is predicted to be deleterious by in silico analysis. Based on the available evidence, the clinical significance of this variant remains unclear.